The following is an entry in ClinVar:

ClinVar aggregate classification (germline): Uncertain significance. Review status: criteria provided, multiple submitters, no conflicts (2 of 4 stars). 9 submissions from 8 submitters: Uncertain significance (9). Last evaluated 2025-05-18.

Conditions:
Connective tissue disorder. Also called: Connective tissue disease. Identifiers: MedGen C0009782, MONDO:0003900.
Schwartz-Jampel syndrome. Also called: Myotonic myopathy dwarfism chondrodystrophy and ocular and facial abnormalities. Identifiers: Orphanet 800, MedGen C0036391, MONDO:0009717.
Lethal Kniest-like syndrome (DDSH). Also called: Dyssegmental Dysplasia. Identifiers: Orphanet 1865, MedGen C1857100, MONDO:0009140, OMIM 224410.
Schwartz-Jampel syndrome type 1 (SJS1). Also called: MYOTONIC MYOPATHY, DWARFISM, CHONDRODYSTROPHY, AND OCULAR AND FACIAL ABNORMALITIES; CHONDRODYSTROPHIC MYOTONIA. Identifiers: MedGen C4551479, MONDO:0100435, OMIM 255800.
Inborn genetic diseases. Identifiers: MedGen C0950123, MeSH D030342.

Allele frequency attached by ClinVar (database versions not stated): gnomAD exomes 0.00027; ExAC 0.00029; gnomAD 0.00039 and 0.00043; TOPMed 0.00039; ESP Exome Variant Server 0.00115.
gnomAD v4.1: 1,350 of 1,613,836 alleles (0.084%); highest among the groups gnomAD compares: Non-Finnish European, 0.11%; no homozygotes.

Submissions (9):

GeneDx
Classification: Uncertain significance. Last evaluated: 2025-05-18. Review status: criteria provided, single submitter. Criteria: GeneDx Variant Classification Process June 2021. Collection method: clinical testing. Allele origin: germline. Affected: yes.
Comment: In silico analysis supports that this missense variant has a deleterious effect on protein structure/function; Has not been previously published as pathogenic or benign to our knowledge

Athena Diagnostics
Classification: Uncertain significance. Last evaluated: 2024-01-05. Review status: criteria provided, single submitter. Criteria: Athena Diagnostics Criteria. Collection method: clinical testing. Allele origin: unknown.
Comment: Available data are insufficient to determine the clinical significance of the variant at this time. The frequency of this variant in the general population is uninformative in assessment of its pathogenicity. Computational tools disagree on the variant's effect on normal protein function.

Department of Pathology and Laboratory Medicine, Sinai Health System
Classification: Uncertain significance for Lethal Kniest-like syndrome; Schwartz-Jampel syndrome type 1. Last evaluated: 2022-11-21. Review status: criteria provided, single submitter. Criteria: ACMG Guidelines, 2015. Collection method: research. Allele origin: germline.

Labcorp Genetics (formerly Invitae), Labcorp
Classification: Uncertain significance. Last evaluated: 2022-06-20. Review status: criteria provided, single submitter. Criteria: Invitae Variant Classification Sherloc (09022015). Collection method: clinical testing. Allele origin: germline.
Comment: This sequence change replaces glycine, which is neutral and non-polar, with arginine, which is basic and polar, at codon 2270 of the HSPG2 protein (p.Gly2270Arg). This variant is present in population databases (rs145091234, gnomAD 0.05%). This variant has not been reported in the literature in individuals affected with HSPG2-related conditions. ClinVar contains an entry for this variant (Variation ID: 295806). Algorithms developed to predict the effect of missense changes on protein structure and function are either unavailable or do not agree on the potential impact of this missense change (SIFT: "Deleterious"; PolyPhen-2: "Possibly Damaging"; Align-GVGD: "Class C0"). In summary, the available evidence is currently insufficient to determine the role of this variant in disease. Therefore, it has been classified as a Variant of Uncertain Significance.

Ambry Genetics
Classification: Uncertain significance for Inborn genetic diseases. Last evaluated: 2021-07-13. Review status: criteria provided, single submitter. Criteria: Ambry Variant Classification Scheme 2023. Collection method: clinical testing. Allele origin: germline.

Genome Diagnostics Laboratory, The Hospital for Sick Children
Classification: Uncertain significance for Connective tissue disorder. Last evaluated: 2020-08-24. Review status: criteria provided, single submitter. Criteria: ACMG Guidelines, 2015. Collection method: clinical testing. Allele origin: germline.

Revvity Omics, Revvity
Classification: Uncertain significance. Last evaluated: 2019-11-06. Review status: criteria provided, single submitter. Criteria: ACMG Guidelines, 2015. Collection method: clinical testing. Allele origin: germline.

Illumina Laboratory Services, Illumina
Classification: Uncertain significance for Lethal Kniest-like syndrome. Last evaluated: 2018-01-12. Review status: criteria provided, single submitter. Criteria: ICSL Variant Classification Criteria 13 December 2019. Collection method: clinical testing. Allele origin: germline.

Illumina Laboratory Services, Illumina
Classification: Uncertain significance for Schwartz-Jampel syndrome type 1. Last evaluated: 2018-01-12. Review status: criteria provided, single submitter. Criteria: ICSL Variant Classification Criteria 13 December 2019. Collection method: clinical testing. Allele origin: germline.

NM_005529.7(HSPG2):c.6808G>A (p.Gly2270Arg)

Genes: HSPG2 (heparan sulfate proteoglycan 2; minus strand), LOC126805655 (CDK7 strongly-dependent group 2 enhancer GRCh37_chr1:22178409-22179608; plus strand). Cytogenetic location: 1p36.12.
Variant type: single nucleotide variant.
Coding change: c.6808G>A on transcript NM_005529.7 (MANE Select); coding-DNA position 6808, G replaced by A.
Protein change: p.Gly2270Arg; replaces glycine 2270 with arginine.
Molecular consequence: missense variant.
Genome position (GRCh38, 1-based): chr1:21,852,150, C>T on the plus strand (G>A on the coding strand, the complement: HSPG2 is on the minus strand). VCF-style: chr1-21852150-C-T. GRCh37 (hg19) VCF-style: chr1-22178643-C-T.
Other names: c.6811G>A, p.Gly2271Arg (NM_001291860.2); short protein forms G2270R, G2271R.
Identifiers: ClinVar variation 295806 (VCV000295806.26), dbSNP rs145091234, ClinGen allele CA671429.